The following is an entry in ClinVar:

ClinVar aggregate classification (germline): Likely pathogenic (1 of 4 stars; one submission).

Submission:

Labcorp Genetics (formerly Invitae), Labcorp
Classification: Likely pathogenic. Last evaluated: 2025-09-11. Review status: criteria provided, single submitter. Criteria: Invitae Variant Classification Sherloc (09022015). Collection method: clinical testing. Allele origin: germline.
Comment: This sequence change affects a donor splice site in intron 1 of the MMP13 gene. It is expected to disrupt RNA splicing. Variants that disrupt the donor or acceptor splice site typically lead to a loss of protein function (PMID: 16199547), and loss-of-function variants in MMP13 are known to be pathogenic (PMID: 24781753, 31413057). This variant is not present in population databases (gnomAD no frequency). This variant has not been reported in the literature in individuals affected with MMP13-related conditions. Algorithms developed to predict the effect of sequence changes on RNA splicing suggest that this variant may disrupt the consensus splice site. In summary, the currently available evidence indicates that the variant is pathogenic, but additional data are needed to prove that conclusively. Therefore, this variant has been classified as Likely Pathogenic.

Literature cited by the submitters: PubMed 16199547; PubMed 24781753; PubMed 31413057.

NM_002427.4(MMP13):c.120+2T>C

Genes: MMP13 (matrix metallopeptidase 13; minus strand), LOC126861318 (BRD4-independent group 4 enhancer GRCh37_chr11:102825894-102827093; plus strand). Cytogenetic location: 11q22.2.
Variant type: single nucleotide variant.
Coding change: c.120+2T>C on transcript NM_002427.4 (MANE Select); the canonical splice donor site of the intron after coding-DNA position 120, T replaced by C.
Molecular consequence: splice donor variant.
Genome position (GRCh38, 1-based): chr11:102,955,584, A>G on the plus strand (T>C on the coding strand, the complement: MMP13 is on the minus strand). VCF-style: chr11-102955584-A-G. GRCh37 (hg19) VCF-style: chr11-102826313-A-G.
Identifiers: ClinVar variation 4779875 (VCV004779875.1).